The following is an entry in ClinVar:

ClinVar aggregate classification (germline): Conflicting classifications of pathogenicity. Review status: criteria provided, conflicting classifications (1 of 4 stars). 2 submissions from 2 submitters: Uncertain significance (1); Likely benign (1). Last evaluated 2026-05-01.

Allele frequency attached by ClinVar (database versions not stated): gnomAD exomes 0.00040; ExAC 0.00117; gnomAD 0.00372; 1000 Genomes Project 30x 0.00375; TOPMed 0.00405; 1000 Genomes Project 0.00419; ESP Exome Variant Server 0.00431.
gnomAD v4.1: 1,214 of 1,614,018 alleles (0.075%); highest among the groups gnomAD compares: African/African-American, 1.4%; 4 homozygotes.

Submissions (7):

CeGaT Center for Human Genetics Tuebingen
Classification: Likely benign. Last evaluated: 2026-05-01. Review status: criteria provided, single submitter. Criteria: CeGaT Center For Human Genetics Tuebingen Variant Classification Criteria Version 2. Collection method: clinical testing. Allele origin: germline. Affected: yes. Observed: 2 variant alleles.
Comment: DNASE1: BS1

Mayo Clinic Laboratories, Mayo Clinic
Classification: Uncertain significance. Last evaluated: 2025-09-30. Review status: criteria provided, single submitter. Criteria: ACMG Guidelines, 2015. Collection method: clinical testing. Allele origin: germline. Observed: 5 variant alleles.
Comment: PS3_supporting

Dr. Peter K. Rogan Lab, Western University
No classification provided (evidence only). Condition: Uterine corpus endometrial carcinoma. Review status: no classification provided. Collection method: in vitro. Allele origin: not applicable. Functional consequence: retained intron. Not counted in ClinVar's aggregate classification.

Dr. Peter K. Rogan Lab, Western University
No classification provided (evidence only). Condition: Cervical cancer. Review status: no classification provided. Collection method: in vitro. Allele origin: not applicable. Functional consequence: retained intron. Not counted in ClinVar's aggregate classification.

Dr. Peter K. Rogan Lab, Western University
No classification provided (evidence only). Condition: Cervical cancer. Review status: no classification provided. Collection method: in vitro. Allele origin: not applicable. Functional consequence: retained intron. Not counted in ClinVar's aggregate classification.

Dr. Peter K. Rogan Lab, Western University
No classification provided (evidence only). Condition: Gastric cancer. Review status: no classification provided. Collection method: in vitro. Allele origin: not applicable. Functional consequence: retained intron. Not counted in ClinVar's aggregate classification.

Dr. Peter K. Rogan Lab, Western University
No classification provided (evidence only). Condition: Uterine carcinosarcoma. Review status: no classification provided. Collection method: in vitro. Allele origin: not applicable. Functional consequence: retained intron. Not counted in ClinVar's aggregate classification.

Literature cited by the submitters: PubMed 24206041 (cited by Mayo Clinic Laboratories, Mayo Clinic); PubMed 24819173 (cited by Mayo Clinic Laboratories, Mayo Clinic); PubMed 31541133 (cited by Mayo Clinic Laboratories, Mayo Clinic).

NM_005223.4(DNASE1):c.319A>G (p.Arg107Gly)

Gene: DNASE1 (deoxyribonuclease 1; plus strand). Cytogenetic location: 16p13.3.
Variant type: single nucleotide variant.
Coding change: c.319A>G on transcript NM_005223.4 (MANE Select); coding-DNA position 319, A replaced by G.
Protein change: p.Arg107Gly; replaces arginine 107 with glycine.
Molecular consequence: missense variant. On other transcripts: non-coding transcript variant (2).
Genome position (GRCh38, 1-based): chr16:3,656,184, A>G. VCF-style: chr16-3656184-A-G. GRCh37 (hg19) VCF-style: chr16-3706185-A-G.
Other names: NC_000016.9:g.3706185A>G; p.Arg107Gly; c.319A>G, p.Arg107Gly (NM_001351825.2, NM_001387135.1, NM_001387139.1 and 1 more transcripts); c.112A>G, p.Arg38Gly (NM_001387141.1); c.319A>G (NM_005223.3); short protein forms R107G, R38G.
Identifiers: ClinVar variation 2646120 (VCV002646120.25), dbSNP rs8176928, ClinGen allele CA7867175.